The following is an entry in ClinVar:

ClinVar aggregate classification (germline): Uncertain significance (1 of 4 stars; one submission).

Conditions:
Familial cancer of breast. Also called: hereditary breast carcinoma; BREAST CANCER, FAMILIAL; Hereditary breast cancer. Identifiers: Orphanet 227535, MedGen C0346153, MONDO:0016419, OMIM 114480. Disease mechanism: loss of function.

Submission:

Labcorp Genetics (formerly Invitae), Labcorp
Classification: Uncertain significance for Familial cancer of breast. Last evaluated: 2019-02-20. Review status: criteria provided, single submitter. Criteria: Invitae Variant Classification Sherloc (09022015). Collection method: clinical testing. Allele origin: germline.
Comment: In summary, the available evidence is currently insufficient to determine the role of this variant in disease. Therefore, it has been classified as a Variant of Uncertain Significance. Algorithms developed to predict the effect of missense changes on protein structure and function output the following: SIFT: "Deleterious"; PolyPhen-2: "Benign"; Align-GVGD: "Class C0". The glycine amino acid residue is found in multiple mammalian species, suggesting that this missense change does not adversely affect protein function. These predictions have not been confirmed by published functional studies and their clinical significance is uncertain. This variant has not been reported in the literature in individuals with PALB2-related conditions. This variant is not present in population databases (ExAC no frequency). This sequence change replaces glutamic acid with glycine at codon 814 of the PALB2 protein (p.Glu814Gly). The glutamic acid residue is moderately conserved and there is a moderate physicochemical difference between glutamic acid and glycine.

NM_024675.4(PALB2):c.2441A>G (p.Glu814Gly)

Gene: PALB2 (partner and localizer of BRCA2; minus strand). Cytogenetic location: 16p12.2.
Variant type: single nucleotide variant.
Coding change: c.2441A>G on transcript NM_024675.4 (MANE Select); coding-DNA position 2441, A replaced by G.
Protein change: p.Glu814Gly; replaces glutamic acid 814 with glycine.
Molecular consequence: missense variant.
Genome position (GRCh38, 1-based): chr16:23,629,713, T>C on the plus strand (A>G on the coding strand, the complement: PALB2 is on the minus strand). VCF-style: chr16-23629713-T-C. GRCh37 (hg19) VCF-style: chr16-23641034-T-C.
Other names: short protein forms E814G.
Identifiers: ClinVar variation 835192 (VCV000835192.10), dbSNP rs1567217273, ClinGen allele CA395124235.